The following is an entry in ClinVar:

ClinVar aggregate classification (germline): Pathogenic/Likely pathogenic. Review status: criteria provided, multiple submitters, no conflicts (2 of 4 stars). 2 submissions from 2 submitters: Pathogenic (1); Likely pathogenic (1). Last evaluated 2023-07-05.

Conditions:
Retinitis pigmentosa 39 (RP39). Identifiers: Orphanet 791, MedGen C3151138, MONDO:0013436, OMIM 613809.

Submissions (2):

Baylor Genetics
Classification: Likely pathogenic for Retinitis pigmentosa 39. Last evaluated: 2023-07-05. Review status: criteria provided, single submitter. Criteria: ACMG Guidelines, 2015. Collection method: clinical testing. Allele origin: unknown.

Labcorp Genetics (formerly Invitae), Labcorp
Classification: Pathogenic. Last evaluated: 2022-03-17. Review status: criteria provided, single submitter. Criteria: Invitae Variant Classification Sherloc (09022015). Collection method: clinical testing. Allele origin: germline.
Comment: For these reasons, this variant has been classified as Pathogenic. This sequence change creates a premature translational stop signal (p.Asn330*) in the USH2A gene. It is expected to result in an absent or disrupted protein product. Loss-of-function variants in USH2A are known to be pathogenic (PMID: 10729113, 10909849, 20507924, 25649381). This variant is not present in population databases (gnomAD no frequency). This variant has not been reported in the literature in individuals affected with USH2A-related conditions.

Literature cited by the submitters: PubMed 10729113 (cited by Labcorp Genetics (formerly Invitae), Labcorp); PubMed 10909849 (cited by Labcorp Genetics (formerly Invitae), Labcorp); PubMed 20507924 (cited by Labcorp Genetics (formerly Invitae), Labcorp); PubMed 25649381 (cited by Labcorp Genetics (formerly Invitae), Labcorp).

NM_206933.4(USH2A):c.987dup (p.Asn330Ter)

Gene: USH2A (usherin; minus strand). Cytogenetic location: 1q41.
Variant type: Duplication.
Coding change: c.987dup on transcript NM_206933.4 (MANE Select); coding-DNA position 987, one base duplicated (T; older notation c.987dupT).
Protein change: p.Asn330Ter; replaces asparagine 330 with a stop codon.
Molecular consequence: nonsense.
Genome position (GRCh38, 1-based): chr1:216,325,461, A duplicated on the plus strand (T on the coding strand, the reverse complement: USH2A is on the minus strand). VCF-style (leftmost placement, unchanged base first): chr1-216325460-T-TA. GRCh37 (hg19) VCF-style: chr1-216498802-T-TA.
Other names: c.987dup, p.Asn330Ter (NM_007123.6); short protein forms N330*.
Identifiers: ClinVar variation 2111748 (VCV002111748.5), dbSNP rs2527440176, ClinGen allele CA2580062229.